The following is an entry in ClinVar:

ClinVar aggregate classification (germline): Uncertain significance (1 of 4 stars; one submission).

Conditions:
GLUT1 deficiency syndrome 1, autosomal recessive. Identifiers: MedGen C3149117.

Allele frequency attached by ClinVar (database versions not stated): gnomAD exomes below 0.00001.
gnomAD v4.1: 4 of 1,532,916 alleles (0.00026%); highest among the groups gnomAD compares: Non-Finnish European, 0.00035%; no homozygotes.

Submission:

Labcorp Genetics (formerly Invitae), Labcorp
Classification: Uncertain significance for GLUT1 deficiency syndrome 1, autosomal recessive. Last evaluated: 2022-12-13. Review status: criteria provided, single submitter. Criteria: Invitae Variant Classification Sherloc (09022015). Collection method: clinical testing. Allele origin: germline.
Comment: This sequence change replaces serine, which is neutral and polar, with glycine, which is neutral and non-polar, at codon 4 of the SLC2A1 protein (p.Ser4Gly). This variant is not present in population databases (gnomAD no frequency). This variant has not been reported in the literature in individuals affected with SLC2A1-related conditions. Advanced modeling of protein sequence and biophysical properties (such as structural, functional, and spatial information, amino acid conservation, physicochemical variation, residue mobility, and thermodynamic stability) performed at Invitae indicates that this missense variant is not expected to disrupt SLC2A1 protein function. In summary, the available evidence is currently insufficient to determine the role of this variant in disease. Therefore, it has been classified as a Variant of Uncertain Significance.

NM_006516.4(SLC2A1):c.10A>G (p.Ser4Gly)

Gene: SLC2A1 (solute carrier family 2 member 1; minus strand). Cytogenetic location: 1p34.2.
Variant type: single nucleotide variant.
Coding change: c.10A>G on transcript NM_006516.4 (MANE Select); coding-DNA position 10, A replaced by G.
Protein change: p.Ser4Gly; replaces serine 4 with glycine.
Molecular consequence: missense variant.
Genome position (GRCh38, 1-based): chr1:42,958,642, T>C on the plus strand (A>G on the coding strand, the complement: SLC2A1 is on the minus strand). VCF-style: chr1-42958642-T-C. GRCh37 (hg19) VCF-style: chr1-43424313-T-C.
Other names: short protein forms S4G.
Identifiers: ClinVar variation 2882284 (VCV002882284.3), dbSNP rs1643808062, ClinGen allele CA339965882.
Genomic context (GRCh38, chr1:42,958,642, plus strand): 5'-AGGAGTCTGCGCCTTTGTTCCTGGCGGGAGGGCCCGCGGGCGCGCGACTCACCTTGCTGC[T>C]GGGCTCCATGGCAGCGCTGCGCTGGTGGCTCTGGCTGCGCCGGGTACGCGGGTGGCGACG-3'
Protein context (NP_006507.2, residues 1-14): MEP[Ser4Gly]SKKLTGRLML